The following is an entry in ClinVar:

ClinVar aggregate classification (germline): Uncertain significance (1 of 4 stars; one submission).

Allele frequency attached by ClinVar (database versions not stated): ExAC 0.00001; gnomAD 0.00001; TOPMed 0.00002.
gnomAD v4.1: 8 of 1,612,288 alleles (0.0005%); highest among the groups gnomAD compares: South Asian, 0.0033%; no homozygotes.

Submission:

Labcorp Genetics (formerly Invitae), Labcorp
Classification: Uncertain significance. Last evaluated: 2022-09-16. Review status: criteria provided, single submitter. Criteria: Invitae Variant Classification Sherloc (09022015). Collection method: clinical testing. Allele origin: germline.
Comment: In summary, the available evidence is currently insufficient to determine the role of this variant in disease. Therefore, it has been classified as a Variant of Uncertain Significance. Algorithms developed to predict the effect of missense changes on protein structure and function (SIFT, PolyPhen-2, Align-GVGD) all suggest that this variant is likely to be disruptive. ClinVar contains an entry for this variant (Variation ID: 1429848). This variant has not been reported in the literature in individuals affected with KIAA1549-related conditions. This variant is present in population databases (rs777698134, gnomAD 0.006%). This sequence change replaces glutamic acid, which is acidic and polar, with lysine, which is basic and polar, at codon 1546 of the KIAA1549 protein (p.Glu1546Lys).

NM_001164665.2(KIAA1549):c.4636G>A (p.Glu1546Lys)

Gene: KIAA1549 (KIAA1549; minus strand). Cytogenetic location: 7q34.
Variant type: single nucleotide variant.
Coding change: c.4636G>A on transcript NM_001164665.2 (MANE Select); coding-DNA position 4636, G replaced by A.
Protein change: p.Glu1546Lys; replaces glutamic acid 1546 with lysine.
Molecular consequence: missense variant.
Genome position (GRCh38, 1-based): chr7:138,869,677, C>T on the plus strand (G>A on the coding strand, the complement: KIAA1549 is on the minus strand). VCF-style: chr7-138869677-C-T. GRCh37 (hg19) VCF-style: chr7-138554423-C-T.
Other names: c.4636G>A, p.Glu1546Lys (NM_020910.3); short protein forms E1546K.
Identifiers: ClinVar variation 1429848 (VCV001429848.4), dbSNP rs777698134, ClinGen allele CA4505812.